The following is an entry in ClinVar:

ClinVar aggregate classification (germline): Likely benign. Review status: criteria provided, multiple submitters, no conflicts (2 of 4 stars). 7 submissions from 7 submitters: Likely benign (6). 1 of the submissions does not count toward it. Last evaluated 2025-10-26.

Conditions:
EFTUD2-related disorder. Also called: EFTUD2-related condition.

Allele frequency attached by ClinVar (database versions not stated): ESP Exome Variant Server 0.00008; gnomAD exomes 0.00009 and 0.00016; ExAC 0.00010; TOPMed 0.00010; gnomAD 0.00011 and 0.00013.
gnomAD v4.1: 261 of 1,614,014 alleles (0.016%); highest among the groups gnomAD compares: Non-Finnish European, 0.02%; no homozygotes.

Submissions (7):

Labcorp Genetics (formerly Invitae), Labcorp
Classification: Likely benign. Last evaluated: 2025-10-26. Review status: criteria provided, single submitter. Criteria: Invitae Variant Classification Sherloc (09022015). Collection method: clinical testing. Allele origin: germline.

Laboratory of Genetics, Children's Clinical University Hospital Latvia
Classification: Likely benign. Last evaluated: 2025-02-16. Review status: criteria provided, single submitter. Criteria: ACMG Guidelines, 2015. Collection method: clinical testing. Allele origin: germline. Affected: yes.

Blueprint Genetics
Classification: Likely benign. Last evaluated: 2024-06-10. Review status: criteria provided, single submitter. Criteria: ACMG Guidelines, 2015. Collection method: clinical testing. Allele origin: germline.

CeGaT Center for Human Genetics Tuebingen
Classification: Likely benign. Last evaluated: 2023-04-01. Review status: criteria provided, single submitter. Criteria: CeGaT Center For Human Genetics Tuebingen Variant Classification Criteria Version 2. Collection method: clinical testing. Allele origin: germline. Affected: yes. Observed: 2 variant alleles.
Comment: EFTUD2: BP4, BP7

GeneDx
Classification: Likely benign. Last evaluated: 2021-06-29. Review status: criteria provided, single submitter. Criteria: GeneDx Variant Classification Process June 2021. Collection method: clinical testing. Allele origin: germline. Affected: yes.

Breakthrough Genomics
Classification: Likely benign. Review status: criteria provided, single submitter. Criteria: ACMG Guidelines, 2015. Collection method: not provided. Allele origin: germline. Inheritance: Autosomal dominant inheritance. Affected: yes.

PreventionGenetics, part of Exact Sciences
Classification: Likely benign for EFTUD2-related condition. Last evaluated: 2022-07-26. Review status: no assertion criteria provided. Collection method: clinical testing. Allele origin: germline. Not counted in ClinVar's aggregate classification.
Comment: This variant is classified as likely benign based on ACMG/AMP sequence variant interpretation guidelines (Richards et al. 2015 PMID: 25741868, with internal and published modifications).

NM_004247.4(EFTUD2):c.1305G>A (p.Val435=)

Gene: EFTUD2 (elongation factor Tu GTP binding domain containing 2; minus strand). Cytogenetic location: 17q21.31.
Variant type: single nucleotide variant.
Coding change: c.1305G>A on transcript NM_004247.4 (MANE Select); coding-DNA position 1305, G replaced by A.
Protein change: p.Val435=; no amino-acid change (valine 435 retained).
Molecular consequence: synonymous variant.
Genome position (GRCh38, 1-based): chr17:44,863,763, C>T on the plus strand (G>A on the coding strand, the complement: EFTUD2 is on the minus strand). VCF-style: chr17-44863763-C-T. GRCh37 (hg19) VCF-style: chr17-42941131-C-T.
Other names: c.1200G>A, p.Val400= (NM_001142605.2); c.1305G>A, p.Val435= (NM_001258353.2); c.1275G>A, p.Val425= (NM_001258354.2).
Identifiers: ClinVar variation 756667 (VCV000756667.41), dbSNP rs369436981, ClinGen allele CA8607811.